The following is an entry in ClinVar:

ClinVar aggregate classification (germline): Uncertain significance (1 of 4 stars; one submission).

Submission:

Labcorp Genetics (formerly Invitae), Labcorp
Classification: Uncertain significance. Last evaluated: 2024-09-04. Review status: criteria provided, single submitter. Criteria: Invitae Variant Classification Sherloc (09022015). Collection method: clinical testing. Allele origin: germline.
Comment: This sequence change affects codon 1686 of the POLE mRNA. It is a 'silent' change, meaning that it does not change the encoded amino acid sequence of the POLE protein. This variant is not present in population databases (gnomAD no frequency). This variant has not been reported in the literature in individuals affected with POLE-related conditions. Algorithms developed to predict the effect of sequence changes on RNA splicing suggest that this variant may create or strengthen a splice site. In summary, the available evidence is currently insufficient to determine the role of this variant in disease. Therefore, it has been classified as a Variant of Uncertain Significance.

NM_006231.4(POLE):c.5058G>C (p.Leu1686=)

Gene: POLE (DNA polymerase epsilon, catalytic subunit; minus strand). Cytogenetic location: 12q24.33.
Variant type: single nucleotide variant.
Coding change: c.5058G>C on transcript NM_006231.4 (MANE Select); coding-DNA position 5058, G replaced by C.
Protein change: p.Leu1686=; no amino-acid change (leucine 1686 retained).
Molecular consequence: synonymous variant.
Genome position (GRCh38, 1-based): chr12:132,642,292, C>G on the plus strand (G>C on the coding strand, the complement: POLE is on the minus strand). VCF-style: chr12-132642292-C-G. GRCh37 (hg19) VCF-style: chr12-133218878-C-G.
Identifiers: ClinVar variation 3664467 (VCV003664467.2).